The following is an entry in ClinVar:

NM_000093.5(COL5A1):c.401G>T (p.Arg134Leu)

Gene: COL5A1 (collagen type V alpha 1 chain; plus strand). Cytogenetic location: 9q34.3.
Variant type: single nucleotide variant.
Coding change: c.401G>T on transcript NM_000093.5 (MANE Select); coding-DNA position 401, G replaced by T.
Protein change: p.Arg134Leu; replaces arginine 134 with leucine.
Molecular consequence: missense variant.
Genome position (GRCh38, 1-based): chr9:134,700,032, G>T. VCF-style: chr9-134700032-G-T. GRCh37 (hg19) VCF-style: chr9-137591878-G-T.
Other names: c.401G>T, p.Arg134Leu (NM_001278074.1); short protein forms R134L.
Identifiers: ClinVar variation 4801881 (VCV004801881.1).

ClinVar aggregate classification (germline): Uncertain significance (1 of 4 stars; one submission).

Conditions:
Ehlers-Danlos syndrome, classic type, 1 (EDSCL1). Also called: EHLERS-DANLOS SYNDROME, GRAVIS TYPE; EHLERS-DANLOS SYNDROME, SEVERE CLASSIC TYPE; Ehlers-Danlos syndrome, type 1; Ehlers-Danlos Syndrome, Classic Type, COL5A1-Related; EDS I. Identifiers: MedGen C0268335, MONDO:0019567, OMIM 130000.

Submission:

Labcorp Genetics (formerly Invitae), Labcorp
Classification: Uncertain significance for Ehlers-Danlos syndrome, classic type, 1. Last evaluated: 2025-07-29. Review status: criteria provided, single submitter. Criteria: Invitae Variant Classification Sherloc (09022015). Collection method: clinical testing. Allele origin: germline.
Comment: This sequence change replaces arginine, which is basic and polar, with leucine, which is neutral and non-polar, at codon 134 of the COL5A1 protein (p.Arg134Leu). This variant is not present in population databases (gnomAD no frequency). This variant has not been reported in the literature in individuals affected with COL5A1-related conditions. Invitae Evidence Modeling of protein sequence and biophysical properties (such as structural, functional, and spatial information, amino acid conservation, physicochemical variation, residue mobility, and thermodynamic stability) indicates that this missense variant is not expected to disrupt COL5A1 protein function with a negative predictive value of 95%. In summary, the available evidence is currently insufficient to determine the role of this variant in disease. Therefore, it has been classified as a Variant of Uncertain Significance.